The following is an entry in ClinVar:

ClinVar aggregate classification (germline): Uncertain significance. Review status: criteria provided, multiple submitters, no conflicts (2 of 4 stars). 2 submissions from 2 submitters: Uncertain significance (2). Last evaluated 2025-02-12.

Conditions:
Familial thoracic aortic aneurysm and aortic dissection (TAAD). Also called: Thoracic aortic aneurysms and dissections. Identifiers: Orphanet 91387, MedGen C4707243, MONDO:0019625.
Aortic aneurysm, familial thoracic 7 (AAT7). Also called: AORTIC DISSECTION, FAMILIAL, WITH OR WITHOUT AORTIC ANEURYSM. Identifiers: MedGen C3151077, MONDO:0013418, OMIM 613780.

Allele frequency attached by ClinVar (database versions not stated): gnomAD exomes below 0.00001; TOPMed 0.00002; gnomAD 0.00003.
gnomAD v4.1: 9 of 1,613,186 alleles (0.00056%); highest among the groups gnomAD compares: East Asian, 0.0067%; no homozygotes.

Submissions (2):

Labcorp Genetics (formerly Invitae), Labcorp
Classification: Uncertain significance for Aortic aneurysm, familial thoracic 7. Last evaluated: 2025-02-12. Review status: criteria provided, single submitter. Criteria: Invitae Variant Classification Sherloc (09022015). Collection method: clinical testing. Allele origin: germline.
Comment: This sequence change replaces valine, which is neutral and non-polar, with methionine, which is neutral and non-polar, at codon 1187 of the MYLK protein (p.Val1187Met). This variant is present in population databases (no rsID available, gnomAD 0.01%). This variant has not been reported in the literature in individuals affected with MYLK-related conditions. ClinVar contains an entry for this variant (Variation ID: 2488461). Invitae Evidence Modeling of protein sequence and biophysical properties (such as structural, functional, and spatial information, amino acid conservation, physicochemical variation, residue mobility, and thermodynamic stability) indicates that this missense variant is not expected to disrupt MYLK protein function with a negative predictive value of 80%. In summary, the available evidence is currently insufficient to determine the role of this variant in disease. Therefore, it has been classified as a Variant of Uncertain Significance.

Ambry Genetics
Classification: Uncertain significance for Familial thoracic aortic aneurysm and aortic dissection. Last evaluated: 2022-12-23. Review status: criteria provided, single submitter. Criteria: Ambry Variant Classification Scheme 2023. Collection method: clinical testing. Allele origin: germline.
Comment: The p.V1187M variant (also known as c.3559G>A), located in coding exon 16 of the MYLK gene, results from a G to A substitution at nucleotide position 3559. The valine at codon 1187 is replaced by methionine, an amino acid with highly similar properties. This amino acid position is conserved. In addition, the in silico prediction for this alteration is inconclusive. Since supporting evidence is limited at this time, the clinical significance of this alteration remains unclear.

NM_053025.4(MYLK):c.3559G>A (p.Val1187Met)

Gene: MYLK (myosin light chain kinase; minus strand). Cytogenetic location: 3q21.1.
Variant type: single nucleotide variant.
Coding change: c.3559G>A on transcript NM_053025.4 (MANE Select); coding-DNA position 3559, G replaced by A.
Protein change: p.Val1187Met; replaces valine 1187 with methionine.
Molecular consequence: missense variant.
Genome position (GRCh38, 1-based): chr3:123,692,741, C>T on the plus strand (G>A on the coding strand, the complement: MYLK is on the minus strand). VCF-style: chr3-123692741-C-T. GRCh37 (hg19) VCF-style: chr3-123411588-C-T.
Other names: c.3031G>A, p.Val1011Met (NM_001321309.2); c.3352G>A, p.Val1118Met (NM_053026.4, NM_053028.4); c.3559G>A, p.Val1187Met (NM_053027.4); short protein forms V1011M, V1187M, V1118M.
Identifiers: ClinVar variation 2488461 (VCV002488461.5), dbSNP rs1033357973, ClinGen allele CA82940394.